The following is an entry in ClinVar:

NM_001379200.1(TBX1):c.187GCC[7] (p.Ala64_Ala66dup)

Gene: TBX1 (T-box transcription factor 1; plus strand). Cytogenetic location: 22q11.21.
Variant type: Microsatellite.
Coding change: c.187GCC[7] on transcript NM_001379200.1 (MANE Select); seven copies in a row of the 3-base unit GCC starting at c.187; the reference has four copies in a row; three copies, 9 bases duplicated.
Protein change: p.Ala64_Ala66dup.
Molecular consequence: inframe insertion.
Genome position (GRCh38, 1-based): chr22:19,761,033-19,761,041, GCCGCCGCC duplicated; duplicating any 9 consecutive bases within chr22:19,761,029-19,761,041 gives the same sequence; the position shown is the placement nearest the transcript's 3' end. VCF-style (leftmost placement, unchanged base first): chr22-19761028-G-GCGCCGCCGC. GRCh37 (hg19) VCF-style: chr22-19748551-G-GCGCCGCCGC.
Other names: c.160GCC[7], p.Ala55_Ala57dup (NM_005992.1, NM_080646.2, NM_080647.1).
Identifiers: ClinVar variation 1359135 (VCV001359135.5), dbSNP rs1032291296, ClinGen allele CA751457855.
Genomic context (GRCh38, chr22:19,761,028, plus strand): 5'-CCGGCGCCGACCCGTACGGCCCGCGCGAGCCCCCGCCGCCGCCGCCGCGCTACGACCCGT[G>GCGCCGCCGC]CGCCGCCGCCGCCCCCGGCGCCCCGGGCCCGCCGCCGCCGCCGCACGCCTACCCGTTTGC-3'

ClinVar aggregate classification (germline): Uncertain significance (1 of 4 stars; one submission).

Conditions:
DiGeorge syndrome. Also called: THIRD AND FOURTH PHARYNGEAL POUCH SYNDROME; Catch22. Identifiers: Orphanet 567, MedGen C0012236, MONDO:0008564, OMIM 188400.

Submission:

Labcorp Genetics (formerly Invitae), Labcorp
Classification: Uncertain significance for DiGeorge syndrome. Last evaluated: 2024-11-27. Review status: criteria provided, single submitter. Criteria: Invitae Variant Classification Sherloc (09022015). Collection method: clinical testing. Allele origin: germline.
Comment: This variant, c.163_171dup, results in the insertion of 3 amino acid(s) of the TBX1 protein (p.Ala55_Ala57dup), but otherwise preserves the integrity of the reading frame. The frequency data for this variant in the population databases is considered unreliable, as metrics indicate insufficient coverage at this position in the gnomAD database. This variant has not been reported in the literature in individuals affected with TBX1-related conditions. Experimental studies and prediction algorithms are not available or were not evaluated, and the functional significance of this variant is currently unknown. In summary, the available evidence is currently insufficient to determine the role of this variant in disease. Therefore, it has been classified as a Variant of Uncertain Significance.